The following is an entry in ClinVar:

ClinVar aggregate classification (germline): Uncertain significance (1 of 4 stars; one submission).

Conditions:
Neuropathy, hereditary sensory and autonomic, type 2A (HSAN2A). Also called: ACROOSTEOLYSIS, GIACCAI TYPE; ACROOSTEOLYSIS, NEUROGENIC; MORVAN DISEASE; NEUROPATHY, CONGENITAL SENSORY; NEUROPATHY, HEREDITARY SENSORY RADICULAR, AUTOSOMAL RECESSIVE; NEUROPATHY, HEREDITARY SENSORY, TYPE IIA. Identifiers: Orphanet 970, MedGen C2752089, MONDO:0024309, OMIM 201300.
Generalized epilepsy with febrile seizures plus, type 7 (GEFSP7). Also called: GEFS+, TYPE 7. Identifiers: Orphanet 36387, MedGen C2751778, MONDO:0013470, OMIM 613863.

Submission:

Labcorp Genetics (formerly Invitae), Labcorp
Classification: Uncertain significance for Neuropathy, hereditary sensory and autonomic, type 2A; Generalized epilepsy with febrile seizures plus, type 7. Last evaluated: 2023-11-14. Review status: criteria provided, single submitter. Criteria: Invitae Variant Classification Sherloc (09022015). Collection method: clinical testing. Allele origin: germline.
Comment: This sequence change replaces alanine, which is neutral and non-polar, with proline, which is neutral and non-polar, at codon 1632 of the SCN9A protein (p.Ala1632Pro). This variant is not present in population databases (gnomAD no frequency). This variant has not been reported in the literature in individuals affected with SCN9A-related conditions. Advanced modeling of protein sequence and biophysical properties (such as structural, functional, and spatial information, amino acid conservation, physicochemical variation, residue mobility, and thermodynamic stability) has been performed at Invitae for this missense variant, however the output from this modeling did not meet the statistical confidence thresholds required to predict the impact of this variant on SCN9A protein function. This variant disrupts the p.Ala1632 amino acid residue in SCN9A. Other variant(s) that disrupt this residue have been determined to be pathogenic (PMID: 18945915, 24311784). This suggests that this residue is clinically significant, and that variants that disrupt this residue are likely to be disease-causing. In summary, the available evidence is currently insufficient to determine the role of this variant in disease. Therefore, it has been classified as a Variant of Uncertain Significance.

Literature cited by the submitters: PubMed 18945915; PubMed 24311784.

NM_001365536.1(SCN9A):c.4927G>C (p.Ala1643Pro)

Genes: SCN1A-AS1 (SCN1A and SCN9A antisense RNA 1; plus strand), SCN9A (sodium voltage-gated channel alpha subunit 9; minus strand). Cytogenetic location: 2q24.3.
Variant type: single nucleotide variant.
Coding change: c.4927G>C on transcript NM_001365536.1 (MANE Select); coding-DNA position 4927, G replaced by C.
Protein change: p.Ala1643Pro; replaces alanine 1643 with proline.
Molecular consequence: missense variant. On other transcripts: non-coding transcript variant (1).
Genome position (GRCh38, 1-based): chr2:166,199,712, C>G on the plus strand (G>C on the coding strand, the complement: SCN9A is on the minus strand). VCF-style: chr2-166199712-C-G. GRCh37 (hg19) VCF-style: chr2-167056222-C-G.
Other names: c.4894G>C, p.Ala1632Pro (NM_002977.4); short protein forms A1632P, A1643P.
Identifiers: ClinVar variation 2939930 (VCV002939930.3), dbSNP rs2468878798, ClinGen allele CA349055121.
Genomic context (GRCh38, chr2:166,199,712, plus strand): 5'-TTCCAAAGATGGCGTAGATGAACATGACCAGGAAGAGCAGGAGGCCGATGTTAAACAACG[C>G]AGGAAGGGACATCATCAAAGCAAAGAGCAGCGTGCGGATCCCCTTTGCTCCTTTGACTAG-3'
Protein context (NP_001352465.1, residues 1633-1653): LLFALMMSLP[Ala1643Pro]LFNIGLLLFL